The following is an entry in ClinVar:

ClinVar aggregate classification (germline): Uncertain significance. Review status: criteria provided, multiple submitters, no conflicts (2 of 4 stars). 2 submissions from 2 submitters: Uncertain significance (2). Last evaluated 2025-05-09.

Conditions:
Baller-Gerold syndrome (BGS). Also called: CRANIOSYNOSTOSIS WITH RADIAL DEFECTS. Identifiers: Orphanet 1225, MedGen C0265308, MONDO:0009039, OMIM 218600.
Inborn genetic diseases. Identifiers: MedGen C0950123, MeSH D030342.

Allele frequency attached by ClinVar (database versions not stated): TOPMed below 0.00001; ExAC 0.00001; gnomAD 0.00001.
gnomAD v4.1: 2 of 1,612,652 alleles (0.00012%); highest among the groups gnomAD compares: Admixed American, 0.0017%; no homozygotes.

Submissions (2):

Ambry Genetics
Classification: Uncertain significance for Inborn genetic diseases. Last evaluated: 2025-05-09. Review status: criteria provided, single submitter. Criteria: Ambry Variant Classification Scheme 2023. Collection method: clinical testing. Allele origin: germline.
Comment: The p.S445N variant (also known as c.1334G>A), located in coding exon 7 of the RECQL4 gene, results from a G to A substitution at nucleotide position 1334. The serine at codon 445 is replaced by asparagine, an amino acid with highly similar properties. This amino acid position is conserved. In addition, this alteration is predicted to be tolerated by in silico analysis. Based on the available evidence, the clinical significance of this variant remains unclear.

Labcorp Genetics (formerly Invitae), Labcorp
Classification: Uncertain significance for Baller-Gerold syndrome. Last evaluated: 2023-04-06. Review status: criteria provided, single submitter. Criteria: Invitae Variant Classification Sherloc (09022015). Collection method: clinical testing. Allele origin: germline.
Comment: This sequence change replaces serine, which is neutral and polar, with asparagine, which is neutral and polar, at codon 445 of the RECQL4 protein (p.Ser445Asn). This variant has not been reported in the literature in individuals affected with RECQL4-related conditions. This variant is present in population databases (rs747571861, gnomAD 0.003%). In summary, the available evidence is currently insufficient to determine the role of this variant in disease. Therefore, it has been classified as a Variant of Uncertain Significance. Advanced modeling of protein sequence and biophysical properties (such as structural, functional, and spatial information, amino acid conservation, physicochemical variation, residue mobility, and thermodynamic stability) performed at Invitae indicates that this missense variant is not expected to disrupt RECQL4 protein function.

NM_004260.4(RECQL4):c.1334G>A (p.Ser445Asn)

Gene: RECQL4 (RecQ like helicase 4; minus strand). Cytogenetic location: 8q24.3.
Variant type: single nucleotide variant.
Coding change: c.1334G>A on transcript NM_004260.4 (MANE Select); coding-DNA position 1334, G replaced by A.
Protein change: p.Ser445Asn; replaces serine 445 with asparagine.
Molecular consequence: missense variant. On other transcripts: 5 prime UTR variant (1), non-coding transcript variant (3).
Genome position (GRCh38, 1-based): chr8:144,515,382, C>T on the plus strand (G>A on the coding strand, the complement: RECQL4 is on the minus strand). VCF-style: chr8-144515382-C-T. GRCh37 (hg19) VCF-style: chr8-145740766-C-T.
Other names: c.1334G>A (NM_004260.3); c.1238G>A, p.Ser413Asn (NM_001413017.1, NM_001413020.1); c.1334G>A, p.Ser445Asn (NM_001413018.1, NM_001413019.1, NM_001413033.1 and 2 more transcripts); c.263G>A, p.Ser88Asn (NM_001413021.1, NM_001413022.1, NM_001413023.1 and 8 more transcripts); c.1205G>A, p.Ser402Asn (NM_001413025.1); c.197G>A, p.Ser66Asn (NM_001413027.1, NM_001413030.1, NM_001413031.1 and 2 more transcripts); c.983G>A, p.Ser328Asn (NM_001413029.1); c.-134G>A (NM_001413043.1); short protein forms S402N, S445N, S66N, S88N, S328N, S413N.
Identifiers: ClinVar variation 2908169 (VCV002908169.4), dbSNP rs747571861, ClinGen allele CA4948910.